The following is an entry in ClinVar:

NM_000179.3(MSH6):c.469A>C (p.Lys157Gln)

Gene: MSH6 (mutS homolog 6; plus strand). Cytogenetic location: 2p16.3.
Variant type: single nucleotide variant.
Coding change: c.469A>C on transcript NM_000179.3 (MANE Select); coding-DNA position 469, A replaced by C.
Protein change: p.Lys157Gln; replaces lysine 157 with glutamine.
Molecular consequence: missense variant. On other transcripts: 5 prime UTR variant (1), intron variant (2).
Genome position (GRCh38, 1-based): chr2:47,795,905, A>C. VCF-style: chr2-47795905-A-C. GRCh37 (hg19) VCF-style: chr2-48023044-A-C.
Other names: c.-434A>C (NM_001281494.2); c.-279-2706A>C (NM_001281493.2); c.238-2706A>C (NM_001281492.2); short protein forms K157Q.
Identifiers: ClinVar variation 825107 (VCV000825107.13), dbSNP rs1572716094, ClinGen allele CA346738577.

ClinVar aggregate classification (germline): Conflicting classifications of pathogenicity. Review status: criteria provided, conflicting classifications (1 of 4 stars). 2 submissions from 2 submitters: Uncertain significance (1); Likely benign (1). Last evaluated 2024-04-17.

Conditions:
Hereditary nonpolyposis colorectal neoplasms. Identifiers: MedGen C0009405, MeSH D003123.
Hereditary cancer-predisposing syndrome. Also called: Neoplastic Syndromes, Hereditary; Tumor predisposition; Hereditary neoplastic syndrome; Hereditary Cancer Syndrome. Identifiers: Orphanet 140162, MedGen C0027672, MeSH D009386, MONDO:0015356.

Submissions (2):

Ambry Genetics
Classification: Likely benign for Hereditary cancer-predisposing syndrome. Last evaluated: 2024-04-17. Review status: criteria provided, single submitter. Criteria: Ambry Variant Classification Scheme 2023. Collection method: clinical testing. Allele origin: germline.

Labcorp Genetics (formerly Invitae), Labcorp
Classification: Uncertain significance for Hereditary nonpolyposis colorectal neoplasms. Last evaluated: 2021-03-25. Review status: criteria provided, single submitter. Criteria: Invitae Variant Classification Sherloc (09022015). Collection method: clinical testing. Allele origin: germline.
Comment: In summary, the available evidence is currently insufficient to determine the role of this variant in disease. Therefore, it has been classified as a Variant of Uncertain Significance. Advanced modeling of protein sequence and biophysical properties (such as structural, functional, and spatial information, amino acid conservation, physicochemical variation, residue mobility, and thermodynamic stability) performed at Invitae indicates that this missense variant is not expected to disrupt MSH6 protein function. This variant has not been reported in the literature in individuals with MSH6-related conditions. ClinVar contains an entry for this variant (Variation ID: 825107). This variant is not present in population databases (ExAC no frequency). This sequence change replaces lysine with glutamine at codon 157 of the MSH6 protein (p.Lys157Gln). The lysine residue is moderately conserved and there is a small physicochemical difference between lysine and glutamine.